The following is an entry in ClinVar:

ClinVar aggregate classification (germline): Likely benign. Review status: criteria provided, multiple submitters, no conflicts (2 of 4 stars). 2 submissions from 2 submitters: Likely benign (2). Last evaluated 2024-06-03.

Conditions:
Ataxia-telangiectasia syndrome (AT). Also called: ATAXIA-TELANGIECTASIA, COMPLEMENTATION GROUP A; ATAXIA-TELANGIECTASIA, FRESNO VARIANT; Ataxia-telangiectasia; Ataxia-telangiectasia, complementation group E; LOUIS-BAR SYNDROME; Cerebello-oculocutaneous telangiectasia. Identifiers: Orphanet 100, MedGen C0004135, MONDO:0008840, OMIM 208900.
Familial cancer of breast. Also called: BREAST CANCER, FAMILIAL; Hereditary breast cancer; hereditary breast carcinoma. Identifiers: Orphanet 227535, MedGen C0346153, MONDO:0016419, OMIM 114480. Disease mechanism: loss of function.

Allele frequency attached by ClinVar (database versions not stated): ExAC 0.00001; gnomAD 0.00001.
gnomAD v4.1: 2 of 1,613,410 alleles (0.00012%); highest among the groups gnomAD compares: African/African-American, 0.0027%; no homozygotes.

Submissions (2):

Myriad Genetics, Inc.
Classification: Likely benign for Familial cancer of breast. Last evaluated: 2024-06-03. Review status: criteria provided, single submitter. Criteria: Myriad Autosomal Dominant, Autosomal Recessive and X-Linked Classification Criteria (2023). Collection method: clinical testing. Allele origin: unknown.
Comment: This variant is considered likely benign. This variant is intronic and is not expected to impact mRNA splicing.

Labcorp Genetics (formerly Invitae), Labcorp
Classification: Likely benign for Ataxia-telangiectasia syndrome. Last evaluated: 2022-11-15. Review status: criteria provided, single submitter. Criteria: Invitae Variant Classification Sherloc (09022015). Collection method: clinical testing. Allele origin: germline.

NM_000051.4(ATM):c.6096-12C>T

Genes: ATM (ATM serine/threonine kinase; plus strand), C11orf65 (chromosome 11 open reading frame 65; minus strand). Cytogenetic location: 11q22.3.
Variant type: single nucleotide variant.
Coding change: c.6096-12C>T on transcript NM_000051.4 (MANE Select); 12 bases into the intron before coding-DNA position 6096, C replaced by T.
Molecular consequence: intron variant.
Genome position (GRCh38, 1-based): chr11:108,315,999, C>T. VCF-style: chr11-108315999-C-T. GRCh37 (hg19) VCF-style: chr11-108186726-C-T.
Other names: c.6096-12C>T (NM_001351834.2); c.641-6928G>A (NM_001330368.2); c.*39-6928G>A (NM_001351110.2).
Identifiers: ClinVar variation 2919935 (VCV002919935.4), dbSNP rs781200134, ClinGen allele CA6265864.
Genomic context (GRCh38, chr11:108,315,999, plus strand): 5'-ATAGTAATTCTGTTTATGAAGGAGTTATGTGTGTGTAAAACCCAAAGCTATTTTCACAAT[C>T]TTTTCTTATAGACTACGAACATATGAACACGAAGCAATGTGGGGCAAAGCCCTAGTAACA-3'